The following is an entry in ClinVar:

NM_000066.4(C8B):c.623C>T (p.Thr208Met)

Gene: C8B (complement C8 beta chain; minus strand). Cytogenetic location: 1p32.2.
Variant type: single nucleotide variant.
Coding change: c.623C>T on transcript NM_000066.4 (MANE Select); coding-DNA position 623, C replaced by T.
Protein change: p.Thr208Met; replaces threonine 208 with methionine.
Molecular consequence: missense variant.
Genome position (GRCh38, 1-based): chr1:56,952,091, G>A on the plus strand (C>T on the coding strand, the complement: C8B is on the minus strand). VCF-style: chr1-56952091-G-A. GRCh37 (hg19) VCF-style: chr1-57417764-G-A.
Other names: c.467C>T, p.Thr156Met (NM_001278543.2); c.437C>T, p.Thr146Met (NM_001278544.2); short protein forms T208M, T146M, T156M.
Identifiers: ClinVar variation 1896801 (VCV001896801.4), dbSNP rs763423680, ClinGen allele CA875912.

ClinVar aggregate classification (germline): Uncertain significance (1 of 4 stars; one submission).

Allele frequency attached by ClinVar (database versions not stated): TOPMed 0.00002; ExAC 0.00003.
gnomAD v4.1: 34 of 1,614,000 alleles (0.0021%); highest among the groups gnomAD compares: East Asian, 0.0045%; no homozygotes.

Submission:

Labcorp Genetics (formerly Invitae), Labcorp
Classification: Uncertain significance. Last evaluated: 2024-11-11. Review status: criteria provided, single submitter. Criteria: Invitae Variant Classification Sherloc (09022015). Collection method: clinical testing. Allele origin: germline.
Comment: This sequence change replaces threonine, which is neutral and polar, with methionine, which is neutral and non-polar, at codon 208 of the C8B protein (p.Thr208Met). This variant is present in population databases (rs763423680, gnomAD 0.01%). This variant has not been reported in the literature in individuals affected with C8B-related conditions. ClinVar contains an entry for this variant (Variation ID: 1896801). An algorithm developed to predict the effect of missense changes on protein structure and function outputs the following: PolyPhen-2: "Benign". The methionine amino acid residue is found in multiple mammalian species, which suggests that this missense change does not adversely affect protein function. In summary, the available evidence is currently insufficient to determine the role of this variant in disease. Therefore, it has been classified as a Variant of Uncertain Significance.